The following is an entry in ClinVar:

NM_017654.4(SAMD9):c.1880C>T (p.Ser627Phe)

Gene: SAMD9 (sterile alpha motif domain containing 9; minus strand). Cytogenetic location: 7q21.2.
Variant type: single nucleotide variant.
Coding change: c.1880C>T on transcript NM_017654.4 (MANE Select); coding-DNA position 1880, C replaced by T.
Protein change: p.Ser627Phe; replaces serine 627 with phenylalanine.
Molecular consequence: missense variant.
Genome position (GRCh38, 1-based): chr7:93,104,218, G>A on the plus strand (C>T on the coding strand, the complement: SAMD9 is on the minus strand). VCF-style: chr7-93104218-G-A. GRCh37 (hg19) VCF-style: chr7-92733531-G-A.
Other names: c.1880C>T, p.Ser627Phe (NM_001193307.2); short protein forms S627F.
Identifiers: ClinVar variation 1305994 (VCV001305994.2), dbSNP rs2116418819, ClinGen allele CA368194257.

ClinVar aggregate classification (germline): Uncertain significance (1 of 4 stars; one submission).

Submission:

GeneDx
Classification: Uncertain significance. Last evaluated: 2019-05-18. Review status: criteria provided, single submitter. Criteria: GeneDx Variant Classification Process June 2021. Collection method: clinical testing. Allele origin: germline. Affected: yes.
Comment: Not observed in large population cohorts (Lek et al., 2016); In silico analysis, which includes protein predictors and evolutionary conservation, supports a deleterious effect; Has not been previously published as pathogenic or benign to our knowledge